The following is an entry in ClinVar:

ClinVar aggregate classification (germline): Uncertain significance. Review status: criteria provided, multiple submitters, no conflicts (2 of 4 stars). 3 submissions from 3 submitters: Uncertain significance (3). Last evaluated 2024-09-06.

Conditions:
D-2-hydroxyglutaric aciduria 2 (D2HGA2). Identifiers: Orphanet 79315, MedGen C3150909, MONDO:0013345, OMIM 613657.
Inborn genetic diseases. Identifiers: MedGen C0950123, MeSH D030342.

Allele frequency attached by ClinVar (database versions not stated): gnomAD 0.00003 and 0.00004; TOPMed 0.00003.
gnomAD v4.1: 12 of 1,614,096 alleles (0.00074%); highest among the groups gnomAD compares: Admixed American, 0.0033%; no homozygotes.

Submissions (3):

Labcorp Genetics (formerly Invitae), Labcorp
Classification: Uncertain significance for D-2-hydroxyglutaric aciduria 2. Last evaluated: 2024-09-06. Review status: criteria provided, single submitter. Criteria: Invitae Variant Classification Sherloc (09022015). Collection method: clinical testing. Allele origin: germline.
Comment: This sequence change replaces phenylalanine, which is neutral and non-polar, with leucine, which is neutral and non-polar, at codon 196 of the IDH2 protein (p.Phe196Leu). This variant is present in population databases (rs758536587, gnomAD 0.0009%). This variant has not been reported in the literature in individuals affected with IDH2-related conditions. ClinVar contains an entry for this variant (Variation ID: 643998). Invitae Evidence Modeling of protein sequence and biophysical properties (such as structural, functional, and spatial information, amino acid conservation, physicochemical variation, residue mobility, and thermodynamic stability) indicates that this missense variant is not expected to disrupt IDH2 protein function with a negative predictive value of 80%. In summary, the available evidence is currently insufficient to determine the role of this variant in disease. Therefore, it has been classified as a Variant of Uncertain Significance.

Ambry Genetics
Classification: Uncertain significance for Inborn genetic diseases. Last evaluated: 2022-05-27. Review status: criteria provided, single submitter. Criteria: Ambry Variant Classification Scheme 2023. Collection method: clinical testing. Allele origin: germline.

Institute for Clinical Genetics, University Hospital TU Dresden, University Hospital TU Dresden
Classification: Uncertain significance. Last evaluated: 2021-11-03. Review status: criteria provided, single submitter. Criteria: ACMG Guidelines, 2015. Collection method: clinical testing. Allele origin: germline.

NM_002168.4(IDH2):c.588C>G (p.Phe196Leu)

Gene: IDH2 (isocitrate dehydrogenase (NADP(+)) 2; minus strand). Cytogenetic location: 15q26.1.
Variant type: single nucleotide variant.
Coding change: c.588C>G on transcript NM_002168.4 (MANE Select); coding-DNA position 588, C replaced by G.
Protein change: p.Phe196Leu; replaces phenylalanine 196 with leucine.
Molecular consequence: missense variant.
Genome position (GRCh38, 1-based): chr15:90,088,449, G>C on the plus strand (C>G on the coding strand, the complement: IDH2 is on the minus strand). VCF-style: chr15-90088449-G-C. GRCh37 (hg19) VCF-style: chr15-90631681-G-C.
Other names: c.432C>G, p.Phe144Leu (NM_001289910.1); c.198C>G, p.Phe66Leu (NM_001290114.2); c.588C>G (NM_002168.2); short protein forms F196L, F66L, F144L.
Identifiers: ClinVar variation 643998 (VCV000643998.12), dbSNP rs758536587, ClinGen allele CA7733136.